The following is an entry in ClinVar:

ClinVar aggregate classification (germline): Uncertain significance (1 of 4 stars; one submission).

Submission:

Dasa
Classification: Uncertain significance. Last evaluated: 2024-09-15. Review status: criteria provided, single submitter. Criteria: DASA Assertion Criteria. Collection method: clinical testing. Allele origin: germline.
Comment: NM_001377142.1(PLCB4):c.455T>A (p.Met152Lys) is a missense variant that results in the substitution of methionine with lysine. This variant is absent from population databases. The currently available literature and clinical evidence are not sufficient to establish a definitive association between this variant and the reported condition. Therefore, this variant is classified as a variant of uncertain significance.

NM_001377142.1(PLCB4):c.455T>A (p.Met152Lys)

Gene: PLCB4 (phospholipase C beta 4; plus strand). Cytogenetic location: 20p12.2.
Variant type: single nucleotide variant.
Coding change: c.455T>A on transcript NM_001377142.1 (MANE Select); coding-DNA position 455, T replaced by A.
Protein change: p.Met152Lys; replaces methionine 152 with lysine.
Molecular consequence: missense variant.
Genome position (GRCh38, 1-based): chr20:9,365,466, T>A. VCF-style: chr20-9365466-T-A. GRCh37 (hg19) VCF-style: chr20-9346113-T-A.
Other names: c.455T>A, p.Met152Lys (NM_000933.4, NM_001172646.2, NM_001377134.2 and 4 more transcripts); short protein forms M152K.
Identifiers: ClinVar variation 4883729 (VCV004883729.2).